The following is an entry in ClinVar:

NM_000245.4(MET):c.2356T>C (p.Phe786Leu)

Gene: MET (MET proto-oncogene, receptor tyrosine kinase; plus strand). Cytogenetic location: 7q31.2.
Variant type: single nucleotide variant.
Coding change: c.2356T>C on transcript NM_000245.4 (MANE Select); coding-DNA position 2356, T replaced by C.
Protein change: p.Phe786Leu; replaces phenylalanine 786 with leucine.
Molecular consequence: missense variant.
Genome position (GRCh38, 1-based): chr7:116,759,482, T>C. VCF-style: chr7-116759482-T-C. GRCh37 (hg19) VCF-style: chr7-116399536-T-C.
Other names: c.2410T>C, p.Phe804Leu (NM_001127500.3); c.2356T>C, p.Phe786Leu (NM_001324401.3); c.1066T>C, p.Phe356Leu (NM_001324402.2); short protein forms F786L, F804L, F356L.
Identifiers: ClinVar variation 5024438 (VCV005024438.1).

ClinVar aggregate classification (germline): Uncertain significance (1 of 4 stars; one submission).

Conditions:
Hereditary cancer-predisposing syndrome. Also called: Neoplastic Syndromes, Hereditary; Tumor predisposition; Hereditary neoplastic syndrome; Hereditary Cancer Syndrome. Identifiers: Orphanet 140162, MedGen C0027672, MeSH D009386, MONDO:0015356.

Submission:

Ambry Genetics
Classification: Uncertain significance for Hereditary cancer-predisposing syndrome. Last evaluated: 2026-09-14. Review status: criteria provided, single submitter. Criteria: Ambry Variant Classification Scheme 2023. Collection method: clinical testing. Allele origin: germline.
Comment: The p.F804L variant (also known as c.2410T>C), located in coding exon 9 of the MET gene, results from a T to C substitution at nucleotide position 2410. The phenylalanine at codon 804 is replaced by leucine, an amino acid with highly similar properties. This amino acid position is conserved. In addition, this alteration is predicted to be tolerated by in silico analysis. Based on the available evidence, the clinical significance of this variant remains unclear.